The following is an entry in ClinVar:

ClinVar aggregate classification (germline): Benign. Review status: criteria provided, multiple submitters, no conflicts (2 of 4 stars). 21 submissions from 19 submitters: Benign (15). 6 of the submissions do not count toward it. Last evaluated 2026-02-04.

Conditions:
Dilated cardiomyopathy 1D. Identifiers: Orphanet 154, Orphanet 54260, MedGen C1832243, MONDO:0011095, OMIM 601494.
Cardiomyopathy, familial restrictive, 3. Identifiers: Orphanet 75249, MedGen C2676271, MONDO:0012900, OMIM 612422.
Hypertrophic cardiomyopathy 2. Also called: TNNT2-Related Familial Hypertrophic Cardiomyopathy. Identifiers: MedGen C1861864, MONDO:0007266, OMIM 115195.
Cardiomyopathy (CMYO). Also called: Cardiomyopathies. Identifiers: Orphanet 167848, MedGen C0878544, MONDO:0004994, HP:0001638. Inheritance: Various modes of inheritance.

Submissions (22):

Labcorp Genetics (formerly Invitae), Labcorp
Classification: Benign for Cardiomyopathy, familial restrictive, 3; Hypertrophic cardiomyopathy 2; Dilated cardiomyopathy 1D. Last evaluated: 2026-02-04. Review status: criteria provided, single submitter. Criteria: Invitae Variant Classification Sherloc (09022015). Collection method: clinical testing. Allele origin: germline.

ARUP Laboratories, Molecular Genetics and Genomics, ARUP Laboratories
Classification: Benign. Last evaluated: 2025-07-28. Review status: criteria provided, single submitter. Criteria: ARUP Molecular Germline Variant Investigation Process 2024. Collection method: clinical testing. Allele origin: germline.

Molecular Diagnostic Laboratory for Inherited Cardiovascular Disease, Montreal Heart Institute
Classification: Benign. Last evaluated: 2025-04-09. Review status: criteria provided, single submitter. Criteria: ACMG Guidelines, 2015. Collection method: clinical testing. Allele origin: germline. Affected: no.
Comment: BA1

Blueprint Genetics
Classification: Benign. Last evaluated: 2024-11-26. Review status: criteria provided, single submitter. Criteria: ACMG Guidelines, 2015. Collection method: clinical testing. Allele origin: germline.

Genome-Nilou Lab
Classification: Benign for Dilated cardiomyopathy 1D. Last evaluated: 2021-09-10. Review status: criteria provided, single submitter. Criteria: ACMG Guidelines, 2015. Collection method: clinical testing. Allele origin: germline. Affected: no.

Genome-Nilou Lab
Classification: Benign for Cardiomyopathy, familial restrictive, 3. Last evaluated: 2021-09-10. Review status: criteria provided, single submitter. Criteria: ACMG Guidelines, 2015. Collection method: clinical testing. Allele origin: germline. Affected: no.

Genome-Nilou Lab
Classification: Benign for Hypertrophic cardiomyopathy 2. Last evaluated: 2021-09-10. Review status: criteria provided, single submitter. Criteria: ACMG Guidelines, 2015. Collection method: clinical testing. Allele origin: germline. Affected: no.

Mendelics
Classification: Benign for Hypertrophic cardiomyopathy 2. Last evaluated: 2019-05-28. Review status: criteria provided, single submitter. Criteria: Mendelics Assertion Criteria 2017. Collection method: clinical testing. Allele origin: unknown.

CHEO Genetics Diagnostic Laboratory, Children's Hospital of Eastern Ontario
Classification: Benign for Cardiomyopathy. Last evaluated: 2019-04-03. Review status: criteria provided, single submitter. Criteria: ACMG Guidelines, 2015. Collection method: clinical testing. Allele origin: germline.

Color Diagnostics, LLC DBA Color Health
Classification: Benign for Cardiomyopathy. Last evaluated: 2018-03-09. Review status: criteria provided, single submitter. Criteria: ACMG Guidelines, 2015. Collection method: clinical testing. Allele origin: germline.

Mayo Clinic Laboratories, Mayo Clinic
Classification: Benign. Last evaluated: 2015-03-19. Review status: criteria provided, single submitter. Criteria: ACMG Guidelines, 2015. Collection method: clinical testing. Allele origin: germline. Observed: 1,347 variant alleles.

Eurofins Ntd Llc (ga)
Classification: Benign. Last evaluated: 2015-01-12. Review status: criteria provided, single submitter. Criteria: EGL Classification Definitions 2015. Collection method: clinical testing. Allele origin: germline. Observed: 1 variant allele, 1 heterozygote.

GeneDx
Classification: Benign. Last evaluated: 2013-09-25. Review status: criteria provided, single submitter. Criteria: GeneDx Variant Classification (06012015). Collection method: clinical testing. Allele origin: germline. Affected: yes.
Comment: This variant is considered likely benign or benign based on one or more of the following criteria: it is a conservative change, it occurs at a poorly conserved position in the protein, it is predicted to be benign by multiple in silico algorithms, and/or has population frequency not consistent with disease.

Laboratory for Molecular Medicine, Mass General Brigham Personalized Medicine
Classification: Benign. Last evaluated: 2006-11-07. Review status: criteria provided, single submitter. Criteria: LMM Criteria. Collection method: clinical testing. Allele origin: germline. Observed: 3,466 variant alleles.

PreventionGenetics, part of Exact Sciences
Classification: Benign. Review status: criteria provided, single submitter. Criteria: ACMG Guidelines, 2015. Collection method: clinical testing. Allele origin: germline.

Cohesion Phenomics
Classification: Benign for Cardiomyopathy. Last evaluated: 2022-10-10. Review status: no assertion criteria provided. Criteria: ACMG Guidelines, 2015. Collection method: clinical testing. Allele origin: germline. Affected: yes. Not counted in ClinVar's aggregate classification.

Clinical Genetics DNA and cytogenetics Diagnostics Lab, Erasmus MC, Erasmus Medical Center
Classification: Benign. Review status: no assertion criteria provided. Collection method: clinical testing. Allele origin: germline. Affected: yes. Study: VKGL Data-share Consensus. Not counted in ClinVar's aggregate classification.

Diagnostic Laboratory, Department of Genetics, University Medical Center Groningen
Classification: Benign. Review status: no assertion criteria provided. Collection method: clinical testing. Allele origin: germline. Affected: yes. Study: VKGL Data-share Consensus. Not counted in ClinVar's aggregate classification.

Dr. Peter K. Rogan Lab, Western University
No classification provided (evidence only). Condition: Thymoma. Review status: no classification provided. Collection method: in vitro. Allele origin: not applicable. Functional consequence: retained intron. Not counted in ClinVar's aggregate classification.

Genome Diagnostics Laboratory, University Medical Center Utrecht
Classification: Benign. Review status: no assertion criteria provided. Collection method: clinical testing. Allele origin: germline. Affected: yes. Study: VKGL Data-share Consensus. Not counted in ClinVar's aggregate classification.

Institute of Human Genetics, University of Wuerzburg
Classification: Benign for Hypertrophic cardiomyopathy 2. Review status: no assertion criteria provided. Collection method: clinical testing. Allele origin: unknown. Affected: yes. Observed: 1 variant allele. Not counted in ClinVar's aggregate classification.

Joint Genome Diagnostic Labs from Nijmegen and Maastricht, Radboudumc and MUMC+
Classification: Benign. Review status: no assertion criteria provided. Collection method: clinical testing. Allele origin: germline. Affected: yes. Study: VKGL Data-share Consensus. Not counted in ClinVar's aggregate classification.

NM_001276345.2(TNNT2):c.53-11_53-7del

Gene: TNNT2 (troponin T2, cardiac type; minus strand). Cytogenetic location: 1q32.1.
Variant type: Microsatellite.
Coding change: c.53-11_53-7del on transcript NM_001276345.2 (MANE Select); 11 bases into the intron before coding-DNA position 53 through 7 bases into the intron before coding-DNA position 53, 5 bases deleted (CTTCT; older notation c.53-11_53-7delCTTCT).
Molecular consequence: intron variant.
Genome position (GRCh38, 1-based): chr1:201,372,048-201,372,052, AGAAG deleted on the plus strand (CTTCT on the coding strand, the reverse complement: TNNT2 is on the minus strand); deleting any 5 consecutive bases within chr1:201,372,048-201,372,057 gives the same sequence; the c. name uses the placement nearest the transcript's 3' end. VCF-style (leftmost placement, unchanged base first): chr1-201372047-CAGAAG-C. GRCh37 (hg19) VCF-style: chr1-201341175-CAGAAG-C.
Other names: p.?; c.52+93_52+97del (NM_001001432.3); c.53-11_53-7del (NM_001001431.3, NM_001001430.3, NM_001276346.2 and 2 more transcripts); c.53-16_53-12del (NM_001276345.2); c.53-16_53-12delCTTCT (NM_001001430.1); c.53-11_53-7delCTTCT (NM_001001430.1, NM_001001430.3, NM_001001430.2).
Identifiers: ClinVar variation 43652 (VCV000043652.56), dbSNP rs45533739, ClinGen allele CA004696.